The following is an entry in ClinVar:

ClinVar aggregate classification (germline): Uncertain significance (1 of 4 stars; one submission).

Conditions:
Familial infantile myasthenia (CMS6). Also called: MYASTHENIC SYNDROME, PRESYNAPTIC, CONGENITAL, ASSOCIATED WITH EPISODIC APNEA; MYASTHENIC SYNDROME, CONGENITAL, 6, PRESYNAPTIC; Congenital myasthenic syndrome type 6. Identifiers: Orphanet 590, MedGen C0393929, MONDO:0009689, OMIM 254210.

Allele frequency attached by ClinVar (database versions not stated): gnomAD 0.00001; gnomAD exomes 0.00001 and 0.00003; TOPMed 0.00002; ESP Exome Variant Server 0.00008.
gnomAD v4.1: 8 of 1,566,280 alleles (0.00051%); highest among the groups gnomAD compares: Admixed American, 0.011%; no homozygotes.

Submission:

Labcorp Genetics (formerly Invitae), Labcorp
Classification: Uncertain significance for Familial infantile myasthenia. Last evaluated: 2024-08-13. Review status: criteria provided, single submitter. Criteria: Invitae Variant Classification Sherloc (09022015). Collection method: clinical testing. Allele origin: germline.
Comment: This sequence change replaces asparagine, which is neutral and polar, with serine, which is neutral and polar, at codon 310 of the CHAT protein (p.Asn310Ser). This variant is present in population databases (rs149976821, gnomAD 0.02%). This variant has not been reported in the literature in individuals affected with CHAT-related conditions. ClinVar contains an entry for this variant (Variation ID: 461465). Advanced modeling of protein sequence and biophysical properties (such as structural, functional, and spatial information, amino acid conservation, physicochemical variation, residue mobility, and thermodynamic stability) performed at Invitae indicates that this missense variant is not expected to disrupt CHAT protein function with a negative predictive value of 95%. In summary, the available evidence is currently insufficient to determine the role of this variant in disease. Therefore, it has been classified as a Variant of Uncertain Significance.

NM_020549.5(CHAT):c.929A>G (p.Asn310Ser)

Gene: CHAT (choline O-acetyltransferase; plus strand). Cytogenetic location: 10q11.23.
Variant type: single nucleotide variant.
Coding change: c.929A>G on transcript NM_020549.5 (MANE Select); coding-DNA position 929, A replaced by G.
Protein change: p.Asn310Ser; replaces asparagine 310 with serine.
Molecular consequence: missense variant.
Genome position (GRCh38, 1-based): chr10:49,625,649, A>G. VCF-style: chr10-49625649-A-G. GRCh37 (hg19) VCF-style: chr10-50833695-A-G.
Other names: c.575A>G, p.Asn192Ser (NM_001142929.2, NM_001142934.2, NM_020984.4 and 2 more transcripts); c.683A>G, p.Asn228Ser (NM_001142933.2); short protein forms N310S, N192S, N228S.
Identifiers: ClinVar variation 461465 (VCV000461465.8), dbSNP rs149976821, ClinGen allele CA206631667.